The following is an entry in ClinVar:

ClinVar aggregate classification (germline): Uncertain significance (1 of 4 stars; one submission).

Submission:

GeneDx
Classification: Uncertain significance. Last evaluated: 2025-07-30. Review status: criteria provided, single submitter. Criteria: GeneDx Variant Classification Process June 2021. Collection method: clinical testing. Allele origin: germline. Affected: yes.
Comment: Not observed at significant frequency in large population cohorts (gnomAD); In silico analysis supports that this missense variant has a deleterious effect on protein structure/function; In silico analysis is inconclusive as to whether the variant alters gene splicing. In the absence of RNA/functional studies, the actual effect of this sequence change is unknown.; Has not been previously published as pathogenic or benign to our knowledge

NM_003070.5(SMARCA2):c.2041G>C (p.Ala681Pro)

Gene: SMARCA2 (SWI/SNF related BAF chromatin remodeling complex subunit ATPase 2; plus strand). Cytogenetic location: 9p24.3.
Variant type: single nucleotide variant.
Coding change: c.2041G>C on transcript NM_003070.5 (MANE Select); coding-DNA position 2041, G replaced by C.
Protein change: p.Ala681Pro; replaces alanine 681 with proline.
Molecular consequence: missense variant.
Genome position (GRCh38, 1-based): chr9:2,077,633, G>C. VCF-style: chr9-2077633-G-C. GRCh37 (hg19) VCF-style: chr9-2077633-G-C.
Other names: c.2041G>C, p.Ala681Pro (NM_001289396.2, NM_001289397.2, NM_139045.4); short protein forms A681P.
Identifiers: ClinVar variation 4689809 (VCV004689809.1).
Genomic context (GRCh38, chr9:2,077,633, plus strand): 5'-AAACAACACATGCACGCACATGTCTGTGTGTGATTCTCCACTTTTTCCTTTCCCAGGACA[G>C]CTAAGCAAGACGTGGATGATGAATACAGCATGCAGTACAGTGCCAGGGGCTCCCAGTCCT-3'
Protein context (NP_003061.3, residues 671-691): EKDAKQIIET[Ala681Pro]KQDVDDEYSM